The following is an entry in ClinVar:

ClinVar aggregate classification (germline): Uncertain significance (1 of 4 stars; one submission).

Conditions:
Early-infantile DEE. Also called: Ohtahara syndrome; Early infantile epileptic encephalopathy with suppression bursts; Early infantile epileptic encephalopathy. Identifiers: Orphanet 1934, MedGen C0393706, MONDO:0800491.

Allele frequency attached by ClinVar (database versions not stated): TOPMed 0.00001.

Submission:

Labcorp Genetics (formerly Invitae), Labcorp
Classification: Uncertain significance for Early-infantile DEE. Last evaluated: 2020-03-06. Review status: criteria provided, single submitter. Criteria: Invitae Variant Classification Sherloc (09022015). Collection method: clinical testing. Allele origin: germline.
Comment: This sequence change replaces glutamic acid with valine at codon 2130 of the SPTAN1 protein (p.Glu2130Val). The glutamic acid residue is highly conserved and there is a moderate physicochemical difference between glutamic acid and valine. In summary, the available evidence is currently insufficient to determine the role of this variant in disease. Therefore, it has been classified as a Variant of Uncertain Significance. Algorithms developed to predict the effect of sequence changes on RNA splicing suggest that this variant may create or strengthen a splice site, but this prediction has not been confirmed by published transcriptional studies. Algorithms developed to predict the effect of missense changes on protein structure and function (SIFT, PolyPhen-2, Align-GVGD) all suggest that this variant is likely to be disruptive, but these predictions have not been confirmed by published functional studies and their clinical significance is uncertain. This variant has not been reported in the literature in individuals with SPTAN1-related conditions. This variant is not present in population databases (ExAC no frequency).

NM_001130438.3(SPTAN1):c.6389A>T (p.Glu2130Val)

Gene: SPTAN1 (spectrin alpha, non-erythrocytic 1; plus strand). Cytogenetic location: 9q34.11.
Variant type: single nucleotide variant.
Coding change: c.6389A>T on transcript NM_001130438.3 (MANE Select); coding-DNA position 6389, A replaced by T.
Protein change: p.Glu2130Val; replaces glutamic acid 2130 with valine.
Molecular consequence: missense variant.
Genome position (GRCh38, 1-based): chr9:128,626,500, A>T. VCF-style: chr9-128626500-A-T. GRCh37 (hg19) VCF-style: chr9-131388779-A-T.
Other names: c.6314A>T, p.Glu2105Val (NM_001195532.2); c.6389A>T, p.Glu2130Val (NM_001363759.2, NM_001375310.1, NM_001375311.2 and 1 more transcripts); c.6329A>T, p.Glu2110Val (NM_001363765.2, NM_001375314.2); c.6425A>T, p.Glu2142Val (NM_001375312.2, NM_001375318.1); c.6374A>T, p.Glu2125Val (NM_003127.4); short protein forms E2110V, E2142V, E2125V, E2130V, E2105V.
Identifiers: ClinVar variation 1038970 (VCV001038970.9), dbSNP rs1858765679, ClinGen allele CA375088680.